The following is an entry in ClinVar:

NM_007294.4(BRCA1):c.*14C>G

Gene: BRCA1 (BRCA1 DNA repair associated; minus strand). Cytogenetic location: 17q21.31.
Variant type: single nucleotide variant.
Coding change: c.*14C>G on transcript NM_007294.4 (MANE Select); 14 bases downstream of the stop codon, C replaced by G.
Molecular consequence: 3 prime UTR variant. On other transcripts: non-coding transcript variant (1).
Genome position (GRCh38, 1-based): chr17:43,045,664, G>C on the plus strand (C>G on the coding strand, the complement: BRCA1 is on the minus strand). VCF-style: chr17-43045664-G-C. GRCh37 (hg19) VCF-style: chr17-41197681-G-C.
Other names: c.*14C>G (NM_001407571.1, NM_001407581.1, NM_001407582.1 and 348 more transcripts); c.*120C>G (NM_001407854.1, NM_001407858.1, NM_001407859.1 and 14 more transcripts).
Identifiers: ClinVar variation 422987 (VCV000422987.3), dbSNP rs1064796142, ClinGen allele CA16620416.

ClinVar aggregate classification (germline): Uncertain significance. Review status: criteria provided, multiple submitters, no conflicts (2 of 4 stars). 2 submissions from 2 submitters: Uncertain significance (2). Last evaluated 2023-12-17.

Allele frequency attached by ClinVar (database versions not stated): gnomAD exomes below 0.00001.
gnomAD v4.1: 1 of 1,613,720 alleles (0.000062%); highest among the groups gnomAD compares: Non-Finnish European, 0.000085%; no homozygotes.

Submissions (2):

Women's Health and Genetics/Laboratory Corporation of America, LabCorp
Classification: Uncertain significance. Last evaluated: 2023-12-17. Review status: criteria provided, single submitter. Criteria: LabCorp Variant Classification Summary - May 2015. Collection method: clinical testing. Allele origin: germline.

GeneDx
Classification: Uncertain significance. Last evaluated: 2017-01-03. Review status: criteria provided, single submitter. Criteria: GeneDx Variant Classification (06012015). Collection method: clinical testing. Allele origin: germline. Affected: yes.
Comment: This variant is denoted BRCA1 c.*14C>G and consists of a C>G nucleotide substitution 14 base pairs downstream of the translational stop codon in the 3Â’ untranslated region (3Â’UTR) of the BRCA1 gene. This variant has not, to our knowledge, been published in the literature as either a pathogenic variant or a benign polymorphism. In silico models predict that BRCA1 c.*14C>G does not affect splicing, and the Cytosine nucleotide that is altered is not conserved. However, in the absence of RNA or functional studies, the actual effect of this variant is unknown. Based on currently available information, we consider BRCA1 c.*14C>G to be a variant of uncertain significance.